The following is an entry in ClinVar:

ClinVar aggregate classification (germline): Uncertain significance. Review status: criteria provided, multiple submitters, no conflicts (2 of 4 stars). 4 submissions from 4 submitters: Uncertain significance (3). 1 of the submissions does not count toward it. Last evaluated 2025-11-18.

Conditions:
Hereditary cancer-predisposing syndrome. Also called: Tumor predisposition; Neoplastic Syndromes, Hereditary; Hereditary neoplastic syndrome; Hereditary Cancer Syndrome. Identifiers: Orphanet 140162, MedGen C0027672, MeSH D009386, MONDO:0015356.
Bloom syndrome (BLM). Also called: Bloom-Torre-Machacek syndrome. Identifiers: Orphanet 125, MedGen C0005859, MONDO:0008876, OMIM 210900.

Submissions (4):

Labcorp Genetics (formerly Invitae), Labcorp
Classification: Uncertain significance for Bloom syndrome. Last evaluated: 2025-11-18. Review status: criteria provided, single submitter. Criteria: Invitae Variant Classification Sherloc (09022015). Collection method: clinical testing. Allele origin: germline.
Comment: This sequence change replaces asparagine, which is neutral and polar, with lysine, which is basic and polar, at codon 46 of the BLM protein (p.Asn46Lys). This variant is not present in population databases (gnomAD no frequency). This variant has not been reported in the literature in individuals affected with BLM-related conditions. ClinVar contains an entry for this variant (Variation ID: 848125). An algorithm developed to predict the effect of missense changes on protein structure and function (PolyPhen-2) suggests that this variant is likely to be tolerated. RNA analysis performed to evaluate the impact of this missense change on mRNA splicing indicates it does not significantly alter splicing (internal data). In summary, the available evidence is currently insufficient to determine the role of this variant in disease. Therefore, it has been classified as a Variant of Uncertain Significance.

Quest Diagnostics Nichols Institute San Juan Capistrano
Classification: Uncertain significance. Last evaluated: 2025-02-25. Review status: criteria provided, single submitter. Criteria: Quest Diagnostics criteria. Collection method: clinical testing. Allele origin: unknown.
Comment: The BLM c.138T>G (p.Asn46Lys) variant has not been reported in individuals with BLM-related conditions in the published literature. It also has not been reported in large, multi-ethnic general populations (Genome Aggregation Database). Analysis of this variant using bioinformatics tools for the prediction of the effect of amino acid changes on protein structure and function yielded predictions that this variant is benign. Based on the available information, we are unable to determine the clinical significance of this variant.

Ambry Genetics
Classification: Uncertain significance for Hereditary cancer-predisposing syndrome. Last evaluated: 2024-06-15. Review status: criteria provided, single submitter. Criteria: Ambry Variant Classification Scheme 2023. Collection method: clinical testing. Allele origin: germline.
Comment: The p.N46K variant (also known as c.138T>G), located in coding exon 2 of the BLM gene, results from a T to G substitution at nucleotide position 138. The asparagine at codon 46 is replaced by lysine, an amino acid with similar properties. This amino acid position is conserved. In addition, this alteration is predicted to be tolerated by in silico analysis. Since supporting evidence is limited at this time, the clinical significance of this alteration remains unclear.

Natera, Inc.
Classification: Uncertain significance for Bloom syndrome. Last evaluated: 2020-09-16. Review status: no assertion criteria provided. Collection method: clinical testing. Allele origin: germline. Not counted in ClinVar's aggregate classification.

NM_000057.4(BLM):c.138T>G (p.Asn46Lys)

Gene: BLM (BLM RecQ like helicase; plus strand). Cytogenetic location: 15q26.1.
Variant type: single nucleotide variant.
Coding change: c.138T>G on transcript NM_000057.4 (MANE Select); coding-DNA position 138, T replaced by G.
Protein change: p.Asn46Lys; replaces asparagine 46 with lysine.
Molecular consequence: missense variant. On other transcripts: 5 prime UTR variant (1).
Genome position (GRCh38, 1-based): chr15:90,749,406, T>G. VCF-style: chr15-90749406-T-G. GRCh37 (hg19) VCF-style: chr15-91292636-T-G.
Other names: c.138T>G, p.Asn46Lys (NM_001287246.2, NM_001287247.2); c.-1154T>G (NM_001287248.2); c.138T>G (NM_000057.2); short protein forms N46K.
Identifiers: ClinVar variation 848125 (VCV000848125.15), dbSNP rs1895600929, ClinGen allele CA393839438.